The following is an entry in ClinVar:

ClinVar aggregate classification (germline): Uncertain significance (0 of 4 stars; one submission).

Conditions:
PKD1L1-related disorder. Also called: PKD1L1-related condition.

gnomAD v4.1: 2 of 1,614,192 alleles (0.00012%); highest among the groups gnomAD compares: Admixed American, 0.0033%; no homozygotes.

Submission:

PreventionGenetics, part of Exact Sciences
Classification: Uncertain significance for PKD1L1-related condition. Last evaluated: 2024-03-27. Review status: no assertion criteria provided. Collection method: clinical testing. Allele origin: germline.
Comment: The PKD1L1 c.2978C>T variant is predicted to result in the amino acid substitution p.Ser993Leu. To our knowledge, this variant has not been reported in the literature. This variant is reported in 0.0058% of alleles in individuals of Latino descent in gnomAD. At this time, the clinical significance of this variant is uncertain due to the absence of conclusive functional and genetic evidence.

NM_138295.5(PKD1L1):c.2978C>T (p.Ser993Leu)

Gene: PKD1L1 (polycystin 1 like 1, transient receptor potential channel interacting; minus strand). Cytogenetic location: 7p12.3.
Variant type: single nucleotide variant.
Coding change: c.2978C>T on transcript NM_138295.5 (MANE Select); coding-DNA position 2978, C replaced by T.
Protein change: p.Ser993Leu; replaces serine 993 with leucine.
Molecular consequence: missense variant.
Genome position (GRCh38, 1-based): chr7:47,885,913, G>A on the plus strand (C>T on the coding strand, the complement: PKD1L1 is on the minus strand). VCF-style: chr7-47885913-G-A. GRCh37 (hg19) VCF-style: chr7-47925511-G-A.
Other names: short protein forms S993L.
Identifiers: ClinVar variation 3350096 (VCV003350096.1).